The following is an entry in ClinVar:

NM_001142864.4(PIEZO1):c.5068C>T (p.Leu1690Phe)

Gene: PIEZO1 (piezo type mechanosensitive ion channel component 1 (Er blood group); minus strand). Cytogenetic location: 16q24.3.
Variant type: single nucleotide variant.
Coding change: c.5068C>T on transcript NM_001142864.4 (MANE Select); coding-DNA position 5068, C replaced by T.
Protein change: p.Leu1690Phe; replaces leucine 1690 with phenylalanine.
Molecular consequence: missense variant.
Genome position (GRCh38, 1-based): chr16:88,721,954, G>A on the plus strand (C>T on the coding strand, the complement: PIEZO1 is on the minus strand). VCF-style: chr16-88721954-G-A. GRCh37 (hg19) VCF-style: chr16-88788362-G-A.
Other names: p.Leu1690Phe; short protein forms L1690F.
Identifiers: ClinVar variation 811733 (VCV000811733.12), dbSNP rs992621550, ClinGen allele CA286409674.

ClinVar aggregate classification (germline): Conflicting classifications of pathogenicity. Review status: criteria provided, conflicting classifications (1 of 4 stars). 5 submissions from 5 submitters: Uncertain significance (4); Benign (1). Last evaluated 2025-04-28.

Allele frequency attached by ClinVar (database versions not stated): gnomAD exomes 0.00004; TOPMed 0.00009; gnomAD 0.00010 and 0.00011.
gnomAD v4.1: 77 of 1,550,016 alleles (0.005%); highest among the groups gnomAD compares: Admixed American, 0.035%; no homozygotes.

Submissions (5):

Labcorp Genetics (formerly Invitae), Labcorp
Classification: Benign. Last evaluated: 2025-04-28. Review status: criteria provided, single submitter. Criteria: Invitae Variant Classification Sherloc (09022015). Collection method: clinical testing. Allele origin: germline.

Mayo Clinic Laboratories, Mayo Clinic
Classification: Uncertain significance. Last evaluated: 2024-11-25. Review status: criteria provided, single submitter. Criteria: ACMG Guidelines, 2015. Collection method: clinical testing. Allele origin: germline. Observed: 1 variant allele.
Comment: BP4, PM2_supporting

Revvity Omics, Revvity
Classification: Uncertain significance. Last evaluated: 2023-10-18. Review status: criteria provided, single submitter. Criteria: ACMG Guidelines, 2015. Collection method: clinical testing. Allele origin: germline.

Blueprint Genetics
Classification: Uncertain significance. Last evaluated: 2021-08-13. Review status: criteria provided, single submitter. Criteria: ACMG Guidelines, 2015. Collection method: clinical testing. Allele origin: germline.

ARUP Laboratories, Molecular Genetics and Genomics, ARUP Laboratories
Classification: Uncertain significance. Last evaluated: 2018-09-05. Review status: criteria provided, single submitter. Criteria: ARUP Molecular Germline Variant Investigation Process. Collection method: clinical testing. Allele origin: germline.